The following is an entry in ClinVar:

NM_001244008.2(KIF1A):c.4807C>G (p.Leu1603Val)

Gene: KIF1A (kinesin family member 1A; minus strand). Cytogenetic location: 2q37.3.
Variant type: single nucleotide variant.
Coding change: c.4807C>G on transcript NM_001244008.2 (MANE Select); coding-DNA position 4807, C replaced by G.
Protein change: p.Leu1603Val; replaces leucine 1603 with valine.
Molecular consequence: missense variant.
Genome position (GRCh38, 1-based): chr2:240,720,975, G>C on the plus strand (C>G on the coding strand, the complement: KIF1A is on the minus strand). VCF-style: chr2-240720975-G-C. GRCh37 (hg19) VCF-style: chr2-241660392-G-C.
Other names: c.4531C>G, p.Leu1511Val (NM_001320705.2, NM_001379649.1); c.4558C>G, p.Leu1520Val (NM_001330289.2); c.4606C>G, p.Leu1536Val (NM_001330290.2, NM_001379648.1); c.4882C>G, p.Leu1628Val (NM_001379631.1); c.4783C>G, p.Leu1595Val (NM_001379632.1); c.4780C>G, p.Leu1594Val (NM_001379633.1, NM_001379645.1); c.4633C>G, p.Leu1545Val (NM_001379634.1); c.4630C>G, p.Leu1544Val (NM_001379635.1, NM_001379646.1); and 7 more; short protein forms L1536V, L1594V, L1501V, L1502V, L1519V, L1595V, L1628V, L1511V.
Identifiers: ClinVar variation 1743233 (VCV001743233.2), dbSNP rs2536655539, ClinGen allele CA351301771.

ClinVar aggregate classification (germline): Uncertain significance (1 of 4 stars; one submission).

Conditions:
Inborn genetic diseases. Identifiers: MedGen C0950123, MeSH D030342.

gnomAD v4.1: 13 of 1,607,092 alleles (0.00081%); highest among the groups gnomAD compares: Non-Finnish European, 0.0011%; no homozygotes.

Submission:

Ambry Genetics
Classification: Uncertain significance for Inborn genetic diseases. Last evaluated: 2022-02-18. Review status: criteria provided, single submitter. Criteria: Ambry Variant Classification Scheme 2023. Collection method: clinical testing. Allele origin: germline.
Comment: The p.L1603V variant (also known as c.4807C>G), located in coding exon 44 of the KIF1A gene, results from a C to G substitution at nucleotide position 4807. The leucine at codon 1603 is replaced by valine, an amino acid with highly similar properties. This amino acid position is well conserved in available vertebrate species. In addition, this alteration is predicted to be tolerated by in silico analysis. Since supporting evidence is limited at this time, the clinical significance of this alteration remains unclear.